The following is an entry in ClinVar:

NM_015164.4(PLEKHM2):c.361C>T (p.His121Tyr)

Gene: PLEKHM2 (pleckstrin homology and RUN domain containing M2; plus strand). Cytogenetic location: 1p36.21.
Variant type: single nucleotide variant.
Coding change: c.361C>T on transcript NM_015164.4 (MANE Select); coding-DNA position 361, C replaced by T.
Protein change: p.His121Tyr; replaces histidine 121 with tyrosine.
Molecular consequence: missense variant.
Genome position (GRCh38, 1-based): chr1:15,717,976, C>T. VCF-style: chr1-15717976-C-T. GRCh37 (hg19) VCF-style: chr1-16044471-C-T.
Other names: c.361C>T, p.His121Tyr (NM_001410755.1); short protein forms H121Y.
Identifiers: ClinVar variation 3717014 (VCV003717014.2).

ClinVar aggregate classification (germline): Uncertain significance (1 of 4 stars; one submission).

Submission:

Labcorp Genetics (formerly Invitae), Labcorp
Classification: Uncertain significance. Last evaluated: 2024-09-14. Review status: criteria provided, single submitter. Criteria: Invitae Variant Classification Sherloc (09022015). Collection method: clinical testing. Allele origin: germline.
Comment: This sequence change replaces histidine, which is basic and polar, with tyrosine, which is neutral and polar, at codon 121 of the PLEKHM2 protein (p.His121Tyr). This variant is not present in population databases (gnomAD no frequency). This variant has not been reported in the literature in individuals affected with PLEKHM2-related conditions. An algorithm developed to predict the effect of missense changes on protein structure and function (PolyPhen-2) suggests that this variant is likely to be tolerated. In summary, the available evidence is currently insufficient to determine the role of this variant in disease. Therefore, it has been classified as a Variant of Uncertain Significance.